The following is an entry in ClinVar:

NM_001723.7(DST):c.7114C>A (p.Gln2372Lys)

Gene: DST (dystonin; minus strand). Cytogenetic location: 6p12.1.
Variant type: single nucleotide variant.
Coding change: c.7114C>A on transcript NM_001723.7 (MANE Plus Clinical); coding-DNA position 7114, C replaced by A.
Protein change: p.Gln2372Lys; replaces glutamine 2372 with lysine.
Molecular consequence: missense variant. On other transcripts: intron variant (10).
Genome position (GRCh38, 1-based): chr6:56,616,353, G>T on the plus strand (C>A on the coding strand, the complement: DST is on the minus strand). VCF-style: chr6-56616353-G-T. GRCh37 (hg19) VCF-style: chr6-56481151-G-T.
Other names: c.4831-1869C>A (NM_001144769.5); c.4930-1869C>A (NM_001374722.1, NM_001374736.1); c.4957-1869C>A (NM_001374734.1); c.4417-1869C>A (NM_001144770.2); c.4297-1869C>A (NM_001374730.1, NM_001386100.1, NM_183380.4 and 1 more transcripts); c.3319-1869C>A (NM_015548.5); short protein forms Q2372K.
Identifiers: ClinVar variation 1352432 (VCV001352432.8), dbSNP rs2152729860, ClinGen allele CA364563697.

ClinVar aggregate classification (germline): Uncertain significance (1 of 4 stars; one submission).

Conditions:
Epidermolysis bullosa simplex 3, localized or generalized intermediate, with BP230 deficiency (EBS3). Also called: Epidermolysis bullosa simplex due to BP230 deficiency; Epidermolysis bullosa simplex, autosomal recessive 2. Identifiers: Orphanet 412181, MedGen C3809470, MONDO:0014180, OMIM 615425.
Hereditary sensory and autonomic neuropathy type 6. Also called: HSAN VI; Neuropathy, hereditary sensory and autonomic, type VI. Identifiers: Orphanet 314381, MedGen C3539003, MONDO:0013839, OMIM 614653.

Submission:

Labcorp Genetics (formerly Invitae), Labcorp
Classification: Uncertain significance for Epidermolysis bullosa simplex 3, localized or generalized intermediate, with BP230 deficiency; Hereditary sensory and autonomic neuropathy type 6. Last evaluated: 2021-05-08. Review status: criteria provided, single submitter. Criteria: Invitae Variant Classification Sherloc (09022015). Collection method: clinical testing. Allele origin: germline.
Comment: This sequence change replaces glutamine with lysine at codon 2372 of the DST protein (p.Gln2372Lys). The glutamine residue is weakly conserved and there is a small physicochemical difference between glutamine and lysine. This variant is not present in population databases (ExAC no frequency). This variant has not been reported in the literature in individuals with DST-related conditions. Algorithms developed to predict the effect of missense changes on protein structure and function are either unavailable or do not agree on the potential impact of this missense change (SIFT: "Deleterious"; PolyPhen-2: "Benign"; Align-GVGD: "Class C0"). In summary, the available evidence is currently insufficient to determine the role of this variant in disease. Therefore, it has been classified as a Variant of Uncertain Significance.